The following is an entry in ClinVar:

NM_003097.6(SNRPN):c.462T>A (p.Ala154=)

Genes: SNHG14 (small nucleolar RNA host gene 14; plus strand), SNRPN (small nuclear ribonucleoprotein polypeptide N; plus strand), SNURF (SNRPN upstream open reading frame; plus strand). Cytogenetic location: 15q11.2.
Variant type: single nucleotide variant.
Coding change: c.462T>A on transcript NM_003097.6 (MANE Select); coding-DNA position 462, T replaced by A.
Protein change: p.Ala154=; no amino-acid change (alanine 154 retained).
Molecular consequence: synonymous variant. On other transcripts: 3 prime UTR variant (1), non-coding transcript variant (1).
Genome position (GRCh38, 1-based): chr15:24,977,819, T>A. VCF-style: chr15-24977819-T-A. GRCh37 (hg19) VCF-style: chr15-25222966-T-A.
Other names: c.462T>A, p.Ala154= (NM_001400738.1, NM_001400739.1, NM_001400740.1 and 99 more transcripts); c.438T>A, p.Ala146= (NM_001400767.1, NM_001378256.1, NM_001378257.1); c.198T>A, p.Ala66= (NM_001400768.1); c.*650T>A (NM_005678.5); c.474T>A, p.Ala158= (NM_001378251.1, NM_001378252.1, NM_001378253.1 and 2 more transcripts).
Identifiers: ClinVar variation 737988 (VCV000737988.15), dbSNP rs368621460, ClinGen allele CA7431387.
Genomic context (GRCh38, chr15:24,977,819, plus strand): 5'-TCCCGCCCTGCCTTCTCAGGTAATGACTCCACAGGGAAGAGGCACTGTAGCAGCTGCTGC[T>A]GTTGCTGCGACTGCCAGTATTGCTGGAGCCCCAACACAGTACCCACCAGGACGGGGCACT-3'
Protein context (NP_003088.1, residues 144-164): PQGRGTVAAA[Ala154=]VAATASIAGA

ClinVar aggregate classification (germline): Likely benign. Review status: criteria provided, multiple submitters, no conflicts (2 of 4 stars). 2 submissions from 2 submitters: Likely benign (2). Last evaluated 2025-05-01.

Allele frequency attached by ClinVar (database versions not stated): gnomAD 0.00014 and 0.00015; ESP Exome Variant Server 0.00016; ExAC 0.00024; TOPMed 0.00011; gnomAD exomes 0.00018 and 0.00027.
gnomAD v4.1: 405 of 1,613,072 alleles (0.025%); highest among the groups gnomAD compares: Non-Finnish European, 0.033%; no homozygotes.

Submissions (2):

CeGaT Center for Human Genetics Tuebingen
Classification: Likely benign. Last evaluated: 2025-05-01. Review status: criteria provided, single submitter. Criteria: CeGaT Center For Human Genetics Tuebingen Variant Classification Criteria Version 2. Collection method: clinical testing. Allele origin: germline. Affected: yes. Observed: 1 variant allele.
Comment: SNRPN: BP4, BP7

Labcorp Genetics (formerly Invitae), Labcorp
Classification: Likely benign. Last evaluated: 2018-03-29. Review status: criteria provided, single submitter. Criteria: Invitae Variant Classification Sherloc (09022015). Collection method: clinical testing. Allele origin: germline.